The following is an entry in ClinVar:

NM_080680.3(COL11A2):c.4854C>T (p.Asp1618=)

Gene: COL11A2 (collagen type XI alpha 2 chain; minus strand). Cytogenetic location: 6p21.32.
Variant type: single nucleotide variant.
Coding change: c.4854C>T on transcript NM_080680.3 (MANE Select); coding-DNA position 4854, C replaced by T.
Protein change: p.Asp1618=; no amino-acid change (aspartic acid 1618 retained).
Molecular consequence: synonymous variant.
Genome position (GRCh38, 1-based): chr6:33,164,861, G>A on the plus strand (C>T on the coding strand, the complement: COL11A2 is on the minus strand). VCF-style: chr6-33164861-G-A. GRCh37 (hg19) VCF-style: chr6-33132638-G-A.
Other names: c.4533C>T, p.Asp1511= (NM_080679.3); c.4596C>T, p.Asp1532= (NM_080681.3).
Identifiers: ClinVar variation 1203248 (VCV001203248.37), dbSNP rs151319255, ClinGen allele CA3749988.
Genomic context (GRCh38, chr6:33,164,861, plus strand): 5'-GAGGGGGTGCACTATGGGGCAGGGGAGGGGCAGCGAGGGGCCAGCTCTCACCTGCGTGAC[G>A]TCATCCCTAGGCGTCACACAGGTCTCACCCCCTGCTGTGAAGTTGCAGAAAACTCGGAAG-3'
Protein context (NP_542411.2, residues 1608-1628): GGETCVTPRD[Asp1618=]VTQFSYVDSE

ClinVar aggregate classification (germline): Benign/Likely benign. Review status: criteria provided, multiple submitters, no conflicts (2 of 4 stars). 6 submissions from 6 submitters: Benign (1); Likely benign (5). Last evaluated 2025-12-18.

Conditions:
Connective tissue disorder. Also called: Connective tissue disease. Identifiers: MedGen C0009782, MONDO:0003900.

Allele frequency attached by ClinVar (database versions not stated): 1000 Genomes Project 30x 0.00031; 1000 Genomes Project 0.00040.
gnomAD v4.1: 209 of 1,560,116 alleles (0.013%); highest among the groups gnomAD compares: South Asian, 0.17%; 2 homozygotes.

Submissions (6):

Labcorp Genetics (formerly Invitae), Labcorp
Classification: Benign. Last evaluated: 2025-12-18. Review status: criteria provided, single submitter. Criteria: Invitae Variant Classification Sherloc (09022015). Collection method: clinical testing. Allele origin: germline.

Women's Health and Genetics/Laboratory Corporation of America, LabCorp
Classification: Likely benign. Last evaluated: 2024-12-04. Review status: criteria provided, single submitter. Criteria: LabCorp Variant Classification Summary - May 2015. Collection method: clinical testing. Allele origin: germline.

Blueprint Genetics
Classification: Likely benign. Last evaluated: 2024-05-14. Review status: criteria provided, single submitter. Criteria: ACMG Guidelines, 2015. Collection method: clinical testing. Allele origin: germline.

CeGaT Center for Human Genetics Tuebingen
Classification: Likely benign. Last evaluated: 2024-03-01. Review status: criteria provided, single submitter. Criteria: CeGaT Center For Human Genetics Tuebingen Variant Classification Criteria Version 2. Collection method: clinical testing. Allele origin: germline. Affected: yes. Observed: 1 variant allele.
Comment: COL11A2: BP4, BP7

Genome Diagnostics Laboratory, The Hospital for Sick Children
Classification: Likely benign for Connective tissue disorder. Last evaluated: 2021-11-01. Review status: criteria provided, single submitter. Criteria: ACMG Guidelines, 2015. Collection method: clinical testing. Allele origin: germline.

GeneDx
Classification: Likely benign. Last evaluated: 2020-07-21. Review status: criteria provided, single submitter. Criteria: GeneDx Variant Classification Process June 2021. Collection method: clinical testing. Allele origin: germline. Affected: yes.